The following is an entry in ClinVar:

ClinVar aggregate classification (germline): Uncertain significance. Review status: criteria provided, multiple submitters, no conflicts (2 of 4 stars). 2 submissions from 2 submitters: Uncertain significance (2). Last evaluated 2025-09-24.

gnomAD v4.1: 58 of 1,613,980 alleles (0.0036%); highest among the groups gnomAD compares: Admixed American, 0.005%; no homozygotes.

Submissions (2):

Labcorp Genetics (formerly Invitae), Labcorp
Classification: Uncertain significance. Last evaluated: 2025-09-24. Review status: criteria provided, single submitter. Criteria: Invitae Variant Classification Sherloc (09022015). Collection method: clinical testing. Allele origin: germline.
Comment: This sequence change replaces isoleucine, which is neutral and non-polar, with valine, which is neutral and non-polar, at codon 398 of the EEF2 protein (p.Ile398Val). This variant is present in population databases (rs769205803, gnomAD 0.006%). This variant has not been reported in the literature in individuals affected with EEF2-related conditions. ClinVar contains an entry for this variant (Variation ID: 3843489). Invitae Evidence Modeling of protein sequence and biophysical properties (such as structural, functional, and spatial information, amino acid conservation, physicochemical variation, residue mobility, and thermodynamic stability) indicates that this missense variant is not expected to disrupt EEF2 protein function with a negative predictive value of 80%. In summary, the available evidence is currently insufficient to determine the role of this variant in disease. Therefore, it has been classified as a Variant of Uncertain Significance.

Ambry Genetics
Classification: Uncertain significance. Last evaluated: 2024-12-25. Review status: criteria provided, single submitter. Criteria: Ambry Variant Classification Scheme 2023. Collection method: clinical testing. Allele origin: germline.

NM_001961.4(EEF2):c.1192A>G (p.Ile398Val)

Gene: EEF2 (eukaryotic translation elongation factor 2; minus strand). Cytogenetic location: 19p13.3.
Variant type: single nucleotide variant.
Coding change: c.1192A>G on transcript NM_001961.4 (MANE Select); coding-DNA position 1192, A replaced by G.
Protein change: p.Ile398Val; replaces isoleucine 398 with valine.
Molecular consequence: missense variant.
Genome position (GRCh38, 1-based): chr19:3,980,668, T>C on the plus strand (A>G on the coding strand, the complement: EEF2 is on the minus strand). VCF-style: chr19-3980668-T-C. GRCh37 (hg19) VCF-style: chr19-3980666-T-C.
Other names: short protein forms I398V.
Identifiers: ClinVar variation 3843489 (VCV003843489.2).
Genomic context (GRCh38, chr19:3,980,668, plus strand): 5'-AGAAGACTCGTCCAAAGGCGTAGAACCGACCTTTGTCGGAGGTTGGCACCATTTTGGAAA[T>C]ATACATCATAAGAGGGCCTTTGGGGTCACAGCTTTTAATGCCTGAGGGACAGAGAAAACC-3'
Protein context (NP_001952.1, residues 388-408): CDPKGPLMMY[Ile398Val]SKMVPTSDKG